The following is an entry in ClinVar:

NM_014845.6(FIG4):c.2308G>A (p.Gly770Ser)

Gene: FIG4 (FIG4 phosphoinositide 5-phosphatase; plus strand). Cytogenetic location: 6q21.
Variant type: single nucleotide variant.
Coding change: c.2308G>A on transcript NM_014845.6 (MANE Select); coding-DNA position 2308, G replaced by A.
Protein change: p.Gly770Ser; replaces glycine 770 with serine.
Molecular consequence: missense variant.
Genome position (GRCh38, 1-based): chr6:109,791,503, G>A. VCF-style: chr6-109791503-G-A. GRCh37 (hg19) VCF-style: chr6-110112706-G-A.
Other names: short protein forms G770S.
Identifiers: ClinVar variation 1005384 (VCV001005384.10), dbSNP rs779329699, ClinGen allele CA3956344.

ClinVar aggregate classification (germline): Uncertain significance (1 of 4 stars; one submission).

Conditions:
Charcot-Marie-Tooth disease type 4. Also called: Charcot-Marie-Tooth disease, type IV; Charcot-Marie-Tooth, Type 4. Identifiers: Orphanet 64749, MedGen C4082197, MONDO:0018995.

Allele frequency attached by ClinVar (database versions not stated): gnomAD exomes below 0.00001 and 0.00001; TOPMed below 0.00001; ExAC 0.00001; gnomAD 0.00001.
gnomAD v4.1: 3 of 1,613,938 alleles (0.00019%); highest among the groups gnomAD compares: African/African-American, 0.0013%; no homozygotes.

Submission:

Labcorp Genetics (formerly Invitae), Labcorp
Classification: Uncertain significance for Charcot-Marie-Tooth disease type 4. Last evaluated: 2022-06-27. Review status: criteria provided, single submitter. Criteria: Invitae Variant Classification Sherloc (09022015). Collection method: clinical testing. Allele origin: germline.
Comment: This sequence change replaces glycine, which is neutral and non-polar, with serine, which is neutral and polar, at codon 770 of the FIG4 protein (p.Gly770Ser). This variant is present in population databases (rs779329699, gnomAD 0.007%). Algorithms developed to predict the effect of missense changes on protein structure and function (SIFT, PolyPhen-2, Align-GVGD) all suggest that this variant is likely to be tolerated. In summary, the available evidence is currently insufficient to determine the role of this variant in disease. Therefore, it has been classified as a Variant of Uncertain Significance. This variant has not been reported in the literature in individuals affected with FIG4-related conditions. ClinVar contains an entry for this variant (Variation ID: 1005384).